The following is an entry in ClinVar:

NM_000051.4(ATM):c.6808-18A>G

Genes: ATM (ATM serine/threonine kinase; plus strand), C11orf65 (chromosome 11 open reading frame 65; minus strand). Cytogenetic location: 11q22.3.
Variant type: single nucleotide variant.
Coding change: c.6808-18A>G on transcript NM_000051.4 (MANE Select); 18 bases into the intron before coding-DNA position 6808, A replaced by G.
Molecular consequence: intron variant.
Genome position (GRCh38, 1-based): chr11:108,326,040, A>G. VCF-style: chr11-108326040-A-G. GRCh37 (hg19) VCF-style: chr11-108196767-A-G.
Other names: c.6808-18A>G (NM_001351834.2); c.641-16969T>C (NM_001330368.2); c.*38+9180T>C (NM_001351110.2).
Identifiers: ClinVar variation 2772862 (VCV002772862.4), dbSNP rs1166582977, ClinGen allele CA2615859145.

ClinVar aggregate classification (germline): Likely benign. Review status: criteria provided, multiple submitters, no conflicts (2 of 4 stars). 2 submissions from 2 submitters: Likely benign (2). Last evaluated 2024-06-12.

Conditions:
Familial cancer of breast. Also called: BREAST CANCER, FAMILIAL; Hereditary breast cancer; hereditary breast carcinoma. Identifiers: Orphanet 227535, MedGen C0346153, MONDO:0016419, OMIM 114480. Disease mechanism: loss of function.
Ataxia-telangiectasia syndrome (AT). Also called: LOUIS-BAR SYNDROME; Cerebello-oculocutaneous telangiectasia; Immunodeficiency with ataxia telangiectasia; Ataxia telangiectasia (A-T); Ataxia-telangiectasia, complementation group D; AT, COMPLEMENTATION GROUP C. Identifiers: Orphanet 100, MedGen C0004135, MONDO:0008840, OMIM 208900.

gnomAD v4.1: 1 of 1,612,484 alleles (0.000062%); highest among the groups gnomAD compares: Non-Finnish European, 0.000085%; no homozygotes.

Submissions (2):

Myriad Genetics, Inc.
Classification: Likely benign for Familial cancer of breast. Last evaluated: 2024-06-12. Review status: criteria provided, single submitter. Criteria: Myriad Autosomal Dominant, Autosomal Recessive and X-Linked Classification Criteria (2023). Collection method: clinical testing. Allele origin: unknown.
Comment: This variant is considered likely benign. This variant is intronic and is not expected to impact mRNA splicing.

Labcorp Genetics (formerly Invitae), Labcorp
Classification: Likely benign for Ataxia-telangiectasia syndrome. Last evaluated: 2023-10-30. Review status: criteria provided, single submitter. Criteria: Invitae Variant Classification Sherloc (09022015). Collection method: clinical testing. Allele origin: germline.